The following is an entry in ClinVar:

NM_002693.3(POLG):c.2157+8G>T

Gene: POLG (DNA polymerase gamma, catalytic subunit; minus strand). Cytogenetic location: 15q26.1.
Variant type: single nucleotide variant.
Coding change: c.2157+8G>T on transcript NM_002693.3 (MANE Select); 8 bases into the intron after coding-DNA position 2157, G replaced by T.
Molecular consequence: intron variant.
Genome position (GRCh38, 1-based): chr15:89,323,807, C>A on the plus strand (G>T on the coding strand, the complement: POLG is on the minus strand). VCF-style: chr15-89323807-C-A. GRCh37 (hg19) VCF-style: chr15-89867038-C-A.
Other names: c.2157+8G>T (NM_001126131.2).
Identifiers: ClinVar variation 512329 (VCV000512329.10), dbSNP rs548035719, ClinGen allele CA274550072.

ClinVar aggregate classification (germline): Likely benign. Review status: criteria provided, multiple submitters, no conflicts (2 of 4 stars). 2 submissions from 2 submitters: Likely benign (2). Last evaluated 2024-05-09.

Conditions:
Progressive sclerosing poliodystrophy (MTDPS4A). Also called: Alpers-Huttenlocher Syndrome (AHS); ALPERS PROGRESSIVE INFANTILE POLIODYSTROPHY; Mitochondrial DNA Depletion Syndrome 4A; Mitochondrial DNA depletion syndrome 4A (Alpers type); NEURONAL DEGENERATION OF CHILDHOOD WITH LIVER DISEASE, PROGRESSIVE; Alpers Syndrome. Identifiers: Orphanet 726, MedGen C0205710, MONDO:0008758, OMIM 203700.

gnomAD v4.1: 5 of 1,611,556 alleles (0.00031%); highest among the groups gnomAD compares: Non-Finnish European, 0.00042%; no homozygotes.

Submissions (2):

Labcorp Genetics (formerly Invitae), Labcorp
Classification: Likely benign for Progressive sclerosing poliodystrophy. Last evaluated: 2024-05-09. Review status: criteria provided, single submitter. Criteria: Invitae Variant Classification Sherloc (09022015). Collection method: clinical testing. Allele origin: germline.

GeneDx
Classification: Likely benign. Last evaluated: 2017-09-26. Review status: criteria provided, single submitter. Criteria: GeneDx Variant Classification (06012015). Collection method: clinical testing. Allele origin: germline. Affected: yes.
Comment: This variant is considered likely benign or benign based on one or more of the following criteria: it is a conservative change, it occurs at a poorly conserved position in the protein, it is predicted to be benign by multiple in silico algorithms, and/or has population frequency not consistent with disease.